The following is an entry in ClinVar:

ClinVar aggregate classification (germline): Uncertain significance (1 of 4 stars; one submission).

Conditions:
Perlman syndrome (PRLMNS). Identifiers: Orphanet 2849, MedGen C0796113, MONDO:0009965, OMIM 267000.

Allele frequency attached by ClinVar (database versions not stated): gnomAD exomes below 0.00001.
gnomAD v4.1: 3 of 1,614,156 alleles (0.00019%); highest among the groups gnomAD compares: East Asian, 0.0045%; no homozygotes.

Submission:

Labcorp Genetics (formerly Invitae), Labcorp
Classification: Uncertain significance for Perlman syndrome. Last evaluated: 2023-04-22. Review status: criteria provided, single submitter. Criteria: Invitae Variant Classification Sherloc (09022015). Collection method: clinical testing. Allele origin: germline.
Comment: In summary, the available evidence is currently insufficient to determine the role of this variant in disease. Therefore, it has been classified as a Variant of Uncertain Significance. Advanced modeling of protein sequence and biophysical properties (such as structural, functional, and spatial information, amino acid conservation, physicochemical variation, residue mobility, and thermodynamic stability) performed at Invitae indicates that this missense variant is not expected to disrupt DIS3L2 protein function. ClinVar contains an entry for this variant (Variation ID: 2143834). This variant has not been reported in the literature in individuals affected with DIS3L2-related conditions. This variant is not present in population databases (gnomAD no frequency). This sequence change replaces glutamic acid, which is acidic and polar, with alanine, which is neutral and non-polar, at codon 451 of the DIS3L2 protein (p.Glu451Ala).

NM_152383.5(DIS3L2):c.1352A>C (p.Glu451Ala)

Gene: DIS3L2 (DIS3 like 3'-5' exoribonuclease 2; plus strand). Cytogenetic location: 2q37.1.
Variant type: single nucleotide variant.
Coding change: c.1352A>C on transcript NM_152383.5 (MANE Select); coding-DNA position 1352, A replaced by C.
Protein change: p.Glu451Ala; replaces glutamic acid 451 with alanine.
Molecular consequence: missense variant. On other transcripts: non-coding transcript variant (2).
Genome position (GRCh38, 1-based): chr2:232,249,273, A>C. VCF-style: chr2-232249273-A-C. GRCh37 (hg19) VCF-style: chr2-233113983-A-C.
Other names: c.1352A>C, p.Glu451Ala (NM_001257281.2); short protein forms E451A.
Identifiers: ClinVar variation 2143834 (VCV002143834.4), dbSNP rs953870227, ClinGen allele CA351155419.
Genomic context (GRCh38, chr2:232,249,273, plus strand): 5'-CTCATGGGCCTGTGCTCTATTTACAGGTGGTCCCCATGCTTCCCAGGCTGCTGTGTGAGG[A>C]GCTGTGCAGCCTCAACCCCATGTCCGACAAGCTGACCTTCTCTGTGATCTGGACACTGAC-3'
Protein context (NP_689596.4, residues 441-461): VPMLPRLLCE[Glu451Ala]LCSLNPMSDK